The following is an entry in ClinVar:

NM_002049.4(GATA1):c.125_146del (p.Asp42fs)

Gene: GATA1 (GATA binding protein 1; plus strand). Cytogenetic location: Xp11.23.
Variant type: Deletion.
Coding change: c.125_146del on transcript NM_002049.4 (MANE Select); coding-DNA positions 125 to 146, 22 bases deleted (ATGCAGCAGCTTCCTCCACTGC).
Protein change: p.Asp42fs; shifts the reading frame from aspartic acid 42.
Molecular consequence: frameshift variant.
Genome position (GRCh38, 1-based): chrX:48,791,234-48,791,255, ATGCAGCAGCTTCCTCCACTGC deleted. VCF-style (leftmost placement, unchanged base first): chrX-48791233-GATGCAGCAGCTTCCTCCACTGC-G. GRCh37 (hg19) VCF-style: chrX-48649640-GATGCAGCAGCTTCCTCCACTGC-G.
Other names: short protein forms D42fs.
Identifiers: ClinVar variation 2948168 (VCV002948168.3), dbSNP rs2519343730, ClinGen allele CA2740092144.

ClinVar aggregate classification (germline): Pathogenic (1 of 4 stars; one submission).

Conditions:
Diamond-Blackfan anemia. Also called: Blackfan Diamond syndrome; Aregenerative anemia chronic congenital; Red cell aplasia, pure hereditary; Congenital hypoplastic anemia; Aase syndrome. Identifiers: Orphanet 124, MedGen C1260899, MeSH D029503, MONDO:0015253, HP:0004810.
GATA binding protein 1 related thrombocytopenia with dyserythropoiesis. Also called: GATA1-Related Cytopenia; GATA1-Related X-Linked Cytopenia. Identifiers: MedGen C1845837, MONDO:0100089.

Submission:

Labcorp Genetics (formerly Invitae), Labcorp
Classification: Pathogenic for GATA binding protein 1 related thrombocytopenia with dyserythropoiesis; Diamond-Blackfan anemia. Last evaluated: 2023-05-23. Review status: criteria provided, single submitter. Criteria: Invitae Variant Classification Sherloc (09022015). Collection method: clinical testing. Allele origin: germline.
Comment: This variant is not present in population databases (gnomAD no frequency). This sequence change creates a premature translational stop signal (p.Asp42Alafs*88) in the GATA1 gene. It is expected to result in an absent or disrupted protein product. Loss-of-function variants in GATA1 are known to be pathogenic (PMID: 16783379, 22706301, 23704091, 24453067). This variant has not been reported in the literature in individuals affected with GATA1-related conditions. For these reasons, this variant has been classified as Pathogenic.

Literature cited by the submitters: PubMed 16783379; PubMed 22706301; PubMed 23704091; PubMed 24453067.